The following is an entry in ClinVar:

ClinVar aggregate classification (germline): Benign. Review status: criteria provided, multiple submitters, no conflicts (2 of 4 stars). 13 submissions from 12 submitters: Benign (13). Last evaluated 2026-04-14.

Conditions:
Familial intrahepatic cholestasis. Identifiers: Orphanet 284385, MedGen CN296401, MONDO:0017290.
Benign recurrent intrahepatic cholestasis type 2 (BRIC2). Also called: Recurrent familial intrahepatic cholestasis 2. Identifiers: Orphanet 65682, Orphanet 99961, MedGen C2608083, MONDO:0011559, OMIM 605479.
Progressive familial intrahepatic cholestasis type 2. Identifiers: Orphanet 79304, MedGen C3489789, MONDO:0011156, OMIM 601847.

Allele frequency attached by ClinVar (database versions not stated): gnomAD exomes 0.56930 and 0.59291; gnomAD 0.57004 and 0.57141; TOPMed 0.57056; ExAC 0.57943; 1000 Genomes Project 30x 0.58354; 1000 Genomes Project 0.58866; ESP Exome Variant Server 0.59577.
gnomAD v4.1: 951,520 of 1,610,750 alleles (59%); highest among the groups gnomAD compares: East Asian, 73%; 282,763 homozygotes.

Submissions (13):

Genomenon, Inc
Classification: Benign for Familial intrahepatic cholestasis. Last evaluated: 2026-04-14. Review status: criteria provided, single submitter. Criteria: Genomenon Sequence Variant Interpretation Standards - Updated. Collection method: curation. Allele origin: germline. Affected: no.
Comment: ABCB11 p.Val444Ala (c.1331T>C) is a missense variant that changes the amino acid at residue 444 from Valine to Alanine. In silico models predict that this variant is not damaging. This variant is present at high allele frequency in population databases. We classify ABCB11 p.Val444Ala (c.1331T>C) as a benign variant.

Labcorp Genetics (formerly Invitae), Labcorp
Classification: Benign. Last evaluated: 2026-02-04. Review status: criteria provided, single submitter. Criteria: Invitae Variant Classification Sherloc (09022015). Collection method: clinical testing. Allele origin: germline.

Immunogenetics and Transplant Biology Service, University Hospital "Città della Salute e della Scienza di Torino"
Classification: Benign for Benign recurrent intrahepatic cholestasis type 2; Progressive familial intrahepatic cholestasis type 2. Last evaluated: 2025-06-28. Review status: criteria provided, single submitter. Criteria: ACMG Guidelines, 2015. Collection method: clinical testing. Allele origin: germline. Affected: yes.

Blueprint Genetics
Classification: Benign. Last evaluated: 2024-11-26. Review status: criteria provided, single submitter. Criteria: ACMG Guidelines, 2015. Collection method: clinical testing. Allele origin: germline.

Mayo Clinic Laboratories, Mayo Clinic
Classification: Benign. Last evaluated: 2024-10-31. Review status: criteria provided, single submitter. Criteria: ACMG Guidelines, 2015. Collection method: clinical testing. Allele origin: germline. Observed: 435 variant alleles.

Women's Health and Genetics/Laboratory Corporation of America, LabCorp
Classification: Benign. Last evaluated: 2021-12-03. Review status: criteria provided, single submitter. Criteria: LabCorp Variant Classification Summary - May 2015. Collection method: clinical testing. Allele origin: germline.

Genome-Nilou Lab
Classification: Benign for Benign recurrent intrahepatic cholestasis type 2. Last evaluated: 2021-07-10. Review status: criteria provided, single submitter. Criteria: ACMG Guidelines, 2015. Collection method: clinical testing. Allele origin: germline. Affected: no.

Genome-Nilou Lab
Classification: Benign for Progressive familial intrahepatic cholestasis type 2. Last evaluated: 2021-07-10. Review status: criteria provided, single submitter. Criteria: ACMG Guidelines, 2015. Collection method: clinical testing. Allele origin: germline. Affected: no.

Illumina Laboratory Services, Illumina
Classification: Benign for Progressive familial intrahepatic cholestasis type 2. Last evaluated: 2018-03-06. Review status: criteria provided, single submitter. Criteria: ICSL Variant Classification Criteria 13 December 2019. Collection method: clinical testing. Allele origin: germline.
Comment: This variant was observed in the ICSL laboratory as part of a predisposition screen in an ostensibly healthy population. It had not been previously curated by ICSL or reported in the Human Gene Mutation Database (HGMD: prior to June 1st, 2018), and was therefore a candidate for classification through an automated scoring system. Utilizing variant allele frequency, disease prevalence and penetrance estimates, and inheritance mode, an automated score was calculated to assess if this variant is too frequent to cause the disease. Based on the score and internal cut-off values, a variant classified as benign is not then subjected to further curation. The score for this variant resulted in a classification of benign for this disease.

GeneDx
Classification: Benign. Last evaluated: 2016-01-08. Review status: criteria provided, single submitter. Criteria: GeneDx Variant Classification (06012015). Collection method: clinical testing. Allele origin: germline. Affected: yes.
Comment: This variant is considered likely benign or benign based on one or more of the following criteria: it is a conservative change, it occurs at a poorly conserved position in the protein, it is predicted to be benign by multiple in silico algorithms, and/or has population frequency not consistent with disease.

Eurofins Ntd Llc (ga)
Classification: Benign. Last evaluated: 2014-11-14. Review status: criteria provided, single submitter. Criteria: EGL Classification Definitions 2015. Collection method: clinical testing. Allele origin: germline. Observed: 2 variant alleles, 2 heterozygotes.

Breakthrough Genomics
Classification: Benign. Review status: criteria provided, single submitter. Criteria: ACMG Guidelines, 2015. Collection method: not provided. Allele origin: germline. Inheritance: Autosomal recessive inheritance. Affected: yes.

PreventionGenetics, part of Exact Sciences
Classification: Benign. Review status: criteria provided, single submitter. Criteria: ACMG Guidelines, 2015. Collection method: clinical testing. Allele origin: germline.

NM_003742.4(ABCB11):c.1331T>C (p.Val444Ala)

Gene: ABCB11 (ATP binding cassette subfamily B member 11; minus strand). Cytogenetic location: 2q31.1.
Variant type: single nucleotide variant.
Coding change: c.1331T>C on transcript NM_003742.4 (MANE Select); coding-DNA position 1331, T replaced by C.
Protein change: p.Val444Ala; replaces valine 444 with alanine.
Molecular consequence: missense variant.
Genome position (GRCh38, 1-based): chr2:168,973,818, A>G on the plus strand (T>C on the coding strand, the complement: ABCB11 is on the minus strand). VCF-style: chr2-168973818-A-G. GRCh37 (hg19) VCF-style: chr2-169830328-A-G.
Other names: c.1331T>C, p.Val444Ala (LRG_1199t1); short protein forms V444A.
Identifiers: ClinVar variation 194214 (VCV000194214.25), dbSNP rs2287622, ClinGen allele CA201032.
Genomic context (GRCh38, chr2:168,973,818, plus strand): 5'-GCTGTACTTTTTCCAGCTCCACTGGGTCCTACCAGAGCTGTCATTTCCCCTGGTTTAATG[A>G]CCATGTTGAGGTCATTTAGAATCTGGAGAAGAAAGAAAACAGCAAAGTTCAGATTGTCAC-3'
Protein context (NP_003733.2, residues 434-454): EVKILNDLNM[Val444Ala]IKPGEMTALV